The following is an entry in ClinVar:

NM_013296.5(GPSM2):c.542C>G (p.Ala181Gly)

Gene: GPSM2 (G protein signaling modulator 2; plus strand). Cytogenetic location: 1p13.3.
Variant type: single nucleotide variant.
Coding change: c.542C>G on transcript NM_013296.5 (MANE Select); coding-DNA position 542, C replaced by G.
Protein change: p.Ala181Gly; replaces alanine 181 with glycine.
Molecular consequence: missense variant.
Genome position (GRCh38, 1-based): chr1:108,898,086, C>G. VCF-style: chr1-108898086-C-G. GRCh37 (hg19) VCF-style: chr1-109440708-C-G.
Other names: c.542C>G, p.Ala181Gly (NM_001321038.2, NM_001321039.3); short protein forms A181G.
Identifiers: ClinVar variation 4985921 (VCV004985921.1).

ClinVar aggregate classification (germline): Uncertain significance (1 of 4 stars; one submission).

Conditions:
GPSM2-related disorder. Also called: GPSM2-related condition; GPSM2-related disorders.

gnomAD v4.1: 38 of 1,613,822 alleles (0.0024%); highest among the groups gnomAD compares: Non-Finnish European, 0.003%; no homozygotes.

Submission:

PreventionGenetics, part of Exact Sciences
Classification: Uncertain significance for GPSM2-related condition. Last evaluated: 2026-07-05. Review status: criteria provided, single submitter. Criteria: ACMG Guidelines, 2015. Collection method: clinical testing. Allele origin: germline.
Comment: The GPSM2 c.542C>G variant is predicted to result in the amino acid substitution p.Ala181Gly. To our knowledge, this variant has not been reported in the literature or in a large population database (gnomAD), indicating this variant is rare. At this time, the clinical significance of this variant is uncertain due to the absence of conclusive functional and genetic evidence.